The following is an entry in ClinVar:

NM_206933.4(USH2A):c.13222G>A (p.Val4408Ile)

Gene: USH2A (usherin; minus strand). Cytogenetic location: 1q41.
Variant type: single nucleotide variant.
Coding change: c.13222G>A on transcript NM_206933.4 (MANE Select); coding-DNA position 13222, G replaced by A.
Protein change: p.Val4408Ile; replaces valine 4408 with isoleucine.
Molecular consequence: missense variant.
Genome position (GRCh38, 1-based): chr1:215,674,689, C>T on the plus strand (G>A on the coding strand, the complement: USH2A is on the minus strand). VCF-style: chr1-215674689-C-T. GRCh37 (hg19) VCF-style: chr1-215848031-C-T.
Other names: short protein forms V4408I.
Identifiers: ClinVar variation 48414 (VCV000048414.9), dbSNP rs111033500, ClinGen allele CA143312.

ClinVar aggregate classification (germline): Uncertain significance. Review status: criteria provided, multiple submitters, no conflicts (2 of 4 stars). 3 submissions from 3 submitters: Uncertain significance (2). 1 of the submissions does not count toward it. Last evaluated 2026-04-13.

Conditions:
USH2A-related disorder. Also called: USH2A-related disorders; USH2A-related condition. Identifiers: MedGen CN239332.

Allele frequency attached by ClinVar (database versions not stated): TOPMed 0.00002.
gnomAD v4.1: 17 of 1,613,994 alleles (0.0011%); highest among the groups gnomAD compares: East Asian, 0.0022%; no homozygotes.

Submissions (3):

PreventionGenetics, part of Exact Sciences
Classification: Uncertain significance for USH2A-related condition. Last evaluated: 2026-04-13. Review status: criteria provided, single submitter. Criteria: ACMG Guidelines, 2015. Collection method: clinical testing. Allele origin: germline.
Comment: The USH2A c.13222G>A variant is predicted to result in the amino acid substitution p.Val4408Ile. To our knowledge, this variant has not been reported in the literature. This variant is reported in 0.0054% of alleles in individuals of East Asian descent in gnomAD. At this time, the clinical significance of this variant is uncertain due to the absence of conclusive functional and genetic evidence.

Labcorp Genetics (formerly Invitae), Labcorp
Classification: Uncertain significance. Last evaluated: 2025-04-28. Review status: criteria provided, single submitter. Criteria: Invitae Variant Classification Sherloc (09022015). Collection method: clinical testing. Allele origin: germline.
Comment: This sequence change replaces valine, which is neutral and non-polar, with isoleucine, which is neutral and non-polar, at codon 4408 of the USH2A protein (p.Val4408Ile). This variant is present in population databases (rs111033500, gnomAD 0.006%). This variant has not been reported in the literature in individuals affected with USH2A-related conditions. ClinVar contains an entry for this variant (Variation ID: 48414). Invitae Evidence Modeling of protein sequence and biophysical properties (such as structural, functional, and spatial information, amino acid conservation, physicochemical variation, residue mobility, and thermodynamic stability) indicates that this missense variant is not expected to disrupt USH2A protein function with a negative predictive value of 95%. In summary, the available evidence is currently insufficient to determine the role of this variant in disease. Therefore, it has been classified as a Variant of Uncertain Significance.

Laboratory for Molecular Medicine, Mass General Brigham Personalized Medicine
Classification: Likely benign. Last evaluated: 2009-12-14. Review status: no assertion criteria provided. Collection method: clinical testing. Allele origin: germline. Observed: 1 variant allele. Not counted in ClinVar's aggregate classification.